The following is an entry in ClinVar:

NM_206937.2(LIG4):c.1150_1153del (p.Lys384fs)

Gene: LIG4 (DNA ligase 4; minus strand). Cytogenetic location: 13q33.3.
Variant type: Deletion.
Coding change: c.1150_1153del on transcript NM_206937.2 (MANE Select); coding-DNA positions 1150 to 1153, 4 bases deleted (AAGA; older notation c.1150_1153delAAGA).
Protein change: p.Lys384fs; shifts the reading frame from lysine 384.
Molecular consequence: frameshift variant.
Genome position (GRCh38, 1-based): chr13:108,210,116-108,210,119, TCTT deleted on the plus strand (AAGA on the coding strand, the reverse complement: LIG4 is on the minus strand); deleting any 4 consecutive bases within chr13:108,210,116-108,210,122 gives the same sequence; the c. name uses the placement nearest the transcript's 3' end. VCF-style (leftmost placement, unchanged base first): chr13-108210115-CTCTT-C. GRCh37 (hg19) VCF-style: chr13-108862463-CTCTT-C.
Other names: c.1150_1153del, p.Lys384fs (NM_001352598.2, NM_001352599.2, NM_001352600.2 and 6 more transcripts); c.1186_1189del, p.Lys396fs (NM_001352604.2); c.949_952del, p.Lys317fs (NM_001330595.2); short protein forms K317fs, K396fs, K384fs.
Identifiers: ClinVar variation 2771755 (VCV002771755.3), dbSNP rs2501607524, ClinGen allele CA2697549264.

ClinVar aggregate classification (germline): Pathogenic (1 of 4 stars; one submission).

Conditions:
DNA ligase IV deficiency. Identifiers: Orphanet 99812, MedGen C1847827, MONDO:0011686, OMIM 606593.

Submission:

Labcorp Genetics (formerly Invitae), Labcorp
Classification: Pathogenic for DNA ligase IV deficiency. Last evaluated: 2023-10-25. Review status: criteria provided, single submitter. Criteria: Invitae Variant Classification Sherloc (09022015). Collection method: clinical testing. Allele origin: germline.
Comment: This sequence change creates a premature translational stop signal (p.Lys384Glyfs*16) in the LIG4 gene. While this is not anticipated to result in nonsense mediated decay, it is expected to disrupt the last 528 amino acid(s) of the LIG4 protein. This variant is not present in population databases (gnomAD no frequency). This variant has not been reported in the literature in individuals affected with LIG4-related conditions. This variant disrupts a region of the LIG4 protein in which other variant(s) (p.Gln904*) have been determined to be pathogenic (PMID: 34630384). This suggests that this is a clinically significant region of the protein, and that variants that disrupt it are likely to be disease-causing. For these reasons, this variant has been classified as Pathogenic.

Literature cited by the submitters: PubMed 34630384.